The following is an entry in ClinVar:

NM_000138.5(FBN1):c.6037+296G>A

Gene: FBN1 (fibrillin 1; minus strand). Cytogenetic location: 15q21.1.
Variant type: single nucleotide variant.
Coding change: c.6037+296G>A on transcript NM_000138.5 (MANE Select); 296 bases into the intron after coding-DNA position 6037, G replaced by A.
Molecular consequence: intron variant.
Genome position (GRCh38, 1-based): chr15:48,444,245, C>T on the plus strand (G>A on the coding strand, the complement: FBN1 is on the minus strand). VCF-style: chr15-48444245-C-T. GRCh37 (hg19) VCF-style: chr15-48736442-C-T.
Identifiers: ClinVar variation 672906 (VCV000672906.1), dbSNP rs79162789, ClinGen allele CA269531900.

ClinVar aggregate classification (germline): Likely benign (1 of 4 stars; one submission).

Allele frequency attached by ClinVar (database versions not stated): gnomAD 0.00530 and 0.00565; TOPMed 0.00580; 1000 Genomes Project 0.00699; 1000 Genomes Project 30x 0.00812.
gnomAD v4.1: 795 of 152,164 alleles (0.52%); highest among the groups gnomAD compares: African/African-American, 1.8%; 4 homozygotes.

Submission:

GeneDx
Classification: Likely benign. Last evaluated: 2018-06-14. Review status: criteria provided, single submitter. Criteria: GeneDx Variant Classification (06012015). Collection method: clinical testing. Allele origin: germline. Affected: yes.
Comment: This variant is considered likely benign or benign based on one or more of the following criteria: it is a conservative change, it occurs at a poorly conserved position in the protein, it is predicted to be benign by multiple in silico algorithms, and/or has population frequency not consistent with disease.